The following is an entry in ClinVar:

NM_152594.3(SPRED1):c.1216G>A (p.Ala406Thr)

Gene: SPRED1 (sprouty related EVH1 domain containing 1; plus strand). Cytogenetic location: 15q14.
Variant type: single nucleotide variant.
Coding change: c.1216G>A on transcript NM_152594.3 (MANE Select); coding-DNA position 1216, G replaced by A.
Protein change: p.Ala406Thr; replaces alanine 406 with threonine.
Molecular consequence: missense variant.
Genome position (GRCh38, 1-based): chr15:38,351,545, G>A. VCF-style: chr15-38351545-G-A. GRCh37 (hg19) VCF-style: chr15-38643746-G-A.
Other names: short protein forms A406T.
Identifiers: ClinVar variation 2315569 (VCV002315569.5), dbSNP rs761520561, ClinGen allele CA7470247.

ClinVar aggregate classification (germline): Uncertain significance. Review status: criteria provided, multiple submitters, no conflicts (2 of 4 stars). 2 submissions from 2 submitters: Uncertain significance (2). Last evaluated 2025-11-25.

Conditions:
Legius syndrome. Identifiers: Orphanet 137605, MedGen C1969623, MONDO:0012669, OMIM 611431. Disease mechanism: loss of function.
Cardiovascular phenotype. Identifiers: MedGen CN230736.

Allele frequency attached by ClinVar (database versions not stated): ExAC 0.00001.

Submissions (2):

Ambry Genetics
Classification: Uncertain significance for Cardiovascular phenotype. Last evaluated: 2025-11-25. Review status: criteria provided, single submitter. Criteria: Ambry Variant Classification Scheme 2023. Collection method: clinical testing. Allele origin: germline.
Comment: The p.A406T variant (also known as c.1216G>A), located in coding exon 7 of the SPRED1 gene, results from a G to A substitution at nucleotide position 1216. The alanine at codon 406 is replaced by threonine, an amino acid with similar properties. This amino acid position is conserved. In addition, the in silico prediction for this alteration is inconclusive. Based on the available evidence, the clinical significance of this variant remains unclear.

Labcorp Genetics (formerly Invitae), Labcorp
Classification: Uncertain significance for Legius syndrome. Last evaluated: 2024-07-30. Review status: criteria provided, single submitter. Criteria: Invitae Variant Classification Sherloc (09022015). Collection method: clinical testing. Allele origin: germline.
Comment: This sequence change replaces alanine, which is neutral and non-polar, with threonine, which is neutral and polar, at codon 406 of the SPRED1 protein (p.Ala406Thr). This variant is present in population databases (rs761520561, gnomAD 0.006%). This variant has not been reported in the literature in individuals affected with SPRED1-related conditions. ClinVar contains an entry for this variant (Variation ID: 2315569). Advanced modeling of protein sequence and biophysical properties (such as structural, functional, and spatial information, amino acid conservation, physicochemical variation, residue mobility, and thermodynamic stability) performed at Invitae indicates that this missense variant is not expected to disrupt SPRED1 protein function with a negative predictive value of 80%. In summary, the available evidence is currently insufficient to determine the role of this variant in disease. Therefore, it has been classified as a Variant of Uncertain Significance.